The following is an entry in ClinVar:

ClinVar aggregate classification (germline): Pathogenic/Likely pathogenic. Review status: criteria provided, multiple submitters, no conflicts (2 of 4 stars). 3 submissions from 3 submitters: Pathogenic (2); Likely pathogenic (1). Last evaluated 2026-04-02.

Conditions:
Marfan syndrome (MFS). Also called: FBN1-Related Marfan Syndrome; MARFAN SYNDROME, TYPE I; Marfan syndrome type 1; Marfan's syndrome; Marfan syndrome, classic. Identifiers: Orphanet 284963, Orphanet 558, MedGen C0024796, MONDO:0007947, OMIM 154700.
Familial thoracic aortic aneurysm and aortic dissection (TAAD). Also called: Thoracic aortic aneurysms and dissections. Identifiers: Orphanet 91387, MedGen C4707243, MONDO:0019625.
Marfan Syndrome/Loeys-Dietz Syndrome/Familial Thoracic Aortic Aneurysms and Dissections. Identifiers: MedGen CN229799.

Submissions (3):

Women's Health and Genetics/Laboratory Corporation of America, LabCorp
Classification: Likely pathogenic for Marfan Syndrome/Loeys-Dietz Syndrome/Familial Thoracic Aortic Aneurysms and Dissections. Last evaluated: 2026-04-02. Review status: criteria provided, single submitter. Criteria: LabCorp Variant Classification Summary - May 2015. Collection method: clinical testing. Allele origin: germline.
Comment: Variant summary: FBN1 c.2249G>A (p.Cys750Tyr) results in a non-conservative amino acid change in the encoded protein sequence. Algorithms developed to predict the effect of missense changes on protein structure and function all suggest that this variant is likely to be disruptive. Missense mutations affecting or creating cysteine residues are listed among the criteria for a causal FBN1 mutation when identified as de novo (with proven paternity) in the revised Ghent criteria for the diagnosis of Marfan and related conditions (Loeys 2010). The variant was absent in 251436 control chromosomes. c.2249G>A has been observed in at least 1 individual(s) affected with Marfan Syndrome (internal data). To our knowledge, no experimental evidence demonstrating an impact on protein function has been reported. The following publication has been ascertained in the context of this evaluation (PMID: 39489349). ClinVar contains an entry for this variant (Variation ID: 963306). Based on the evidence outlined above, the variant was classified as likely pathogenic.

Genomic Medicine Center of Excellence, King Faisal Specialist Hospital and Research Centre
Classification: Pathogenic for Marfan syndrome. Last evaluated: 2024-04-04. Review status: criteria provided, single submitter. Criteria: ACMG Guidelines, 2015. Collection method: clinical testing. Allele origin: germline.

Labcorp Genetics (formerly Invitae), Labcorp
Classification: Pathogenic for Marfan syndrome; Familial thoracic aortic aneurysm and aortic dissection. Last evaluated: 2021-01-22. Review status: criteria provided, single submitter. Criteria: Invitae Variant Classification Sherloc (09022015). Collection method: clinical testing. Allele origin: germline.
Comment: This sequence change replaces cysteine with tyrosine at codon 750 of the FBN1 protein (p.Cys750Tyr). The cysteine residue is highly conserved and there is a large physicochemical difference between cysteine and tyrosine. This variant is not present in population databases (ExAC no frequency). This variant has been observed in individual(s) with Marfan syndrome (Invitae). Algorithms developed to predict the effect of missense changes on protein structure and function (SIFT, PolyPhen-2, Align-GVGD) all suggest that this variant is likely to be disruptive, but these predictions have not been confirmed by published functional studies and their clinical significance is uncertain. This variant affects a cysteine residue in the EGF-like, TGFBP or hybrid motif domains of FBN1. Cysteine residues are believed to be involved in intramolecular disulfide bridges and have been shown to be important for FBN1 protein structure (PMID: 16905551, 19349279). In addition, missense substitutions affecting cysteine residues within these domains are significantly overrepresented among patients with Marfan syndrome (PMID: 16571647, 17701892). This variant disrupts the p.Cys750 amino acid residue in FBN1. Other variant(s) that disrupt this residue have been observed in individuals with FBN1-related conditions (PMID: 19293843, 8004112), which suggests that this may be a clinically significant amino acid residue. For these reasons, this variant has been classified as Pathogenic.

Literature cited by the submitters: PubMed 39489349 (cited by Women's Health and Genetics/Laboratory Corporation of America, LabCorp); PubMed 16905551 (cited by Labcorp Genetics (formerly Invitae), Labcorp); PubMed 19349279 (cited by Labcorp Genetics (formerly Invitae), Labcorp); PubMed 16571647 (cited by Labcorp Genetics (formerly Invitae), Labcorp); PubMed 17701892 (cited by Labcorp Genetics (formerly Invitae), Labcorp); PubMed 19293843 (cited by Labcorp Genetics (formerly Invitae), Labcorp); PubMed 8004112 (cited by Labcorp Genetics (formerly Invitae), Labcorp).

NM_000138.5(FBN1):c.2249G>A (p.Cys750Tyr)

Gene: FBN1 (fibrillin 1; minus strand). Cytogenetic location: 15q21.1.
Variant type: single nucleotide variant.
Coding change: c.2249G>A on transcript NM_000138.5 (MANE Select); coding-DNA position 2249, G replaced by A.
Protein change: p.Cys750Tyr; replaces cysteine 750 with tyrosine.
Molecular consequence: missense variant.
Genome position (GRCh38, 1-based): chr15:48,497,310, C>T on the plus strand (G>A on the coding strand, the complement: FBN1 is on the minus strand). VCF-style: chr15-48497310-C-T. GRCh37 (hg19) VCF-style: chr15-48789507-C-T.
Other names: short protein forms C750Y.
Identifiers: ClinVar variation 963306 (VCV000963306.11), dbSNP rs2043616369, ClinGen allele CA392335676.